The following is an entry in ClinVar:

NM_001365536.1(SCN9A):c.2953G>A (p.Ala985Thr)

Genes: SCN9A (sodium voltage-gated channel alpha subunit 9; minus strand), SCN1A-AS1 (SCN1A and SCN9A antisense RNA 1; plus strand). Cytogenetic location: 2q24.3.
Variant type: single nucleotide variant.
Coding change: c.2953G>A on transcript NM_001365536.1 (MANE Select); coding-DNA position 2953, G replaced by A.
Protein change: p.Ala985Thr; replaces alanine 985 with threonine.
Molecular consequence: missense variant.
Genome position (GRCh38, 1-based): chr2:166,272,797, C>T on the plus strand (G>A on the coding strand, the complement: SCN9A is on the minus strand). VCF-style: chr2-166272797-C-T. GRCh37 (hg19) VCF-style: chr2-167129307-C-T.
Other names: c.2920G>A, p.Ala974Thr (NM_002977.4); short protein forms A985T, A974T.
Identifiers: ClinVar variation 2934725 (VCV002934725.3), dbSNP rs2467985693, ClinGen allele CA349074734.

ClinVar aggregate classification (germline): Uncertain significance (1 of 4 stars; one submission).

Conditions:
Neuropathy, hereditary sensory and autonomic, type 2A (HSAN2A). Also called: MORVAN DISEASE; NEUROPATHY, CONGENITAL SENSORY; NEUROPATHY, HEREDITARY SENSORY RADICULAR, AUTOSOMAL RECESSIVE; NEUROPATHY, HEREDITARY SENSORY, TYPE IIA; NEUROPATHY, PROGRESSIVE SENSORY, OF CHILDREN; ACROOSTEOLYSIS, GIACCAI TYPE. Identifiers: Orphanet 970, MedGen C2752089, MONDO:0024309, OMIM 201300.
Generalized epilepsy with febrile seizures plus, type 7 (GEFSP7). Also called: GEFS+, TYPE 7. Identifiers: Orphanet 36387, MedGen C2751778, MONDO:0013470, OMIM 613863.

Submission:

Labcorp Genetics (formerly Invitae), Labcorp
Classification: Uncertain significance for Neuropathy, hereditary sensory and autonomic, type 2A; Generalized epilepsy with febrile seizures plus, type 7. Last evaluated: 2025-01-06. Review status: criteria provided, single submitter. Criteria: Invitae Variant Classification Sherloc (09022015). Collection method: clinical testing. Allele origin: germline.
Comment: This sequence change replaces alanine, which is neutral and non-polar, with threonine, which is neutral and polar, at codon 974 of the SCN9A protein (p.Ala974Thr). This variant is not present in population databases (gnomAD no frequency). This variant has not been reported in the literature in individuals affected with SCN9A-related conditions. ClinVar contains an entry for this variant (Variation ID: 2934725). Invitae Evidence Modeling of protein sequence and biophysical properties (such as structural, functional, and spatial information, amino acid conservation, physicochemical variation, residue mobility, and thermodynamic stability) indicates that this missense variant is not expected to disrupt SCN9A protein function with a negative predictive value of 95%. In summary, the available evidence is currently insufficient to determine the role of this variant in disease. Therefore, it has been classified as a Variant of Uncertain Significance.